The following is an entry in ClinVar:

ClinVar aggregate classification (germline): Uncertain significance. Review status: criteria provided, multiple submitters, no conflicts (2 of 4 stars). 2 submissions from 2 submitters: Uncertain significance (2). Last evaluated 2023-12-20.

Conditions:
Inborn genetic diseases. Identifiers: MedGen C0950123, MeSH D030342.

Allele frequency attached by ClinVar (database versions not stated): ExAC 0.00001; gnomAD exomes 0.00001 and 0.00002; gnomAD 0.00003; TOPMed 0.00003.

Submissions (2):

Ambry Genetics
Classification: Uncertain significance for Inborn genetic diseases. Last evaluated: 2023-12-20. Review status: criteria provided, single submitter. Criteria: Ambry Variant Classification Scheme 2023. Collection method: clinical testing. Allele origin: germline.

Labcorp Genetics (formerly Invitae), Labcorp
Classification: Uncertain significance. Last evaluated: 2021-08-31. Review status: criteria provided, single submitter. Criteria: Invitae Variant Classification Sherloc (09022015). Collection method: clinical testing. Allele origin: germline.
Comment: This sequence change replaces glycine with arginine at codon 153 of the GDF5 protein (p.Gly153Arg). The glycine residue is moderately conserved and there is a moderate physicochemical difference between glycine and arginine. This variant is present in population databases (rs775031524, ExAC 0.01%). This variant has not been reported in the literature in individuals affected with GDF5-related conditions. Algorithms developed to predict the effect of missense changes on protein structure and function are either unavailable or do not agree on the potential impact of this missense change (SIFT: "Tolerated"; PolyPhen-2: "Probably Damaging"; Align-GVGD: "Class C0"). In summary, the available evidence is currently insufficient to determine the role of this variant in disease. Therefore, it has been classified as a Variant of Uncertain Significance.

NM_000557.5(GDF5):c.457G>A (p.Gly153Arg)

Gene: GDF5 (growth differentiation factor 5; minus strand). Cytogenetic location: 20q11.22.
Variant type: single nucleotide variant.
Coding change: c.457G>A on transcript NM_000557.5 (MANE Select); coding-DNA position 457, G replaced by A.
Protein change: p.Gly153Arg; replaces glycine 153 with arginine.
Molecular consequence: missense variant.
Genome position (GRCh38, 1-based): chr20:35,437,472, C>T on the plus strand (G>A on the coding strand, the complement: GDF5 is on the minus strand). VCF-style: chr20-35437472-C-T. GRCh37 (hg19) VCF-style: chr20-34025252-C-T.
Other names: c.457G>A, p.Gly153Arg (NM_001319138.2); c.457G>A (NM_000557.2); short protein forms G153R.
Identifiers: ClinVar variation 1408834 (VCV001408834.6), dbSNP rs775031524, ClinGen allele CA9832348.